The following is an entry in ClinVar:

NM_000094.4(COL7A1):c.1780+6T>A

Gene: COL7A1 (collagen type VII alpha 1 chain; minus strand). Cytogenetic location: 3p21.31.
Variant type: single nucleotide variant.
Coding change: c.1780+6T>A on transcript NM_000094.4 (MANE Select); 6 bases into the intron after coding-DNA position 1780, T replaced by A.
Molecular consequence: intron variant.
Genome position (GRCh38, 1-based): chr3:48,590,667, A>T on the plus strand (T>A on the coding strand, the complement: COL7A1 is on the minus strand). VCF-style: chr3-48590667-A-T. GRCh37 (hg19) VCF-style: chr3-48628100-A-T.
Identifiers: ClinVar variation 4717056 (VCV004717056.1).

ClinVar aggregate classification (germline): Uncertain significance (1 of 4 stars; one submission).

Submission:

Labcorp Genetics (formerly Invitae), Labcorp
Classification: Uncertain significance. Last evaluated: 2025-04-11. Review status: criteria provided, single submitter. Criteria: Invitae Variant Classification Sherloc (09022015). Collection method: clinical testing. Allele origin: germline.
Comment: This sequence change falls in intron 13 of the COL7A1 gene. It does not directly change the encoded amino acid sequence of the COL7A1 protein. It affects a nucleotide within the consensus splice site. This variant is not present in population databases (gnomAD no frequency). This variant has not been reported in the literature in individuals affected with COL7A1-related conditions. Variants that disrupt the consensus splice site are a relatively common cause of aberrant splicing (PMID: 17576681, 9536098). Algorithms developed to predict the effect of sequence changes on RNA splicing suggest that this variant may disrupt the consensus splice site. In summary, the available evidence is currently insufficient to determine the role of this variant in disease. Therefore, it has been classified as a Variant of Uncertain Significance.

Literature cited by the submitters: PubMed 17576681; PubMed 9536098.